The following is an entry in ClinVar:

ClinVar aggregate classification (germline): Uncertain significance. Review status: criteria provided, multiple submitters, no conflicts (2 of 4 stars). 3 submissions from 3 submitters: Uncertain significance (2). 1 of the submissions does not count toward it. Last evaluated 2025-08-26.

Conditions:
AKR1C4-related disorder. Also called: AKR1C4-related condition.

Allele frequency attached by ClinVar (database versions not stated): ExAC 0.00006; TOPMed 0.00015; gnomAD 0.00017; 1000 Genomes Project 30x 0.00031; 1000 Genomes Project 0.00040.
gnomAD v4.1: 96 of 1,612,948 alleles (0.006%); highest among the groups gnomAD compares: African/African-American, 0.055%; no homozygotes.

Submissions (3):

Ambry Genetics
Classification: Uncertain significance. Last evaluated: 2025-08-26. Review status: criteria provided, single submitter. Criteria: Ambry Variant Classification Scheme 2023. Collection method: clinical testing. Allele origin: germline.

Labcorp Genetics (formerly Invitae), Labcorp
Classification: Uncertain significance. Last evaluated: 2024-12-11. Review status: criteria provided, single submitter. Criteria: Invitae Variant Classification Sherloc (09022015). Collection method: clinical testing. Allele origin: germline.
Comment: This sequence change replaces threonine, which is neutral and polar, with methionine, which is neutral and non-polar, at codon 127 of the AKR1C4 protein (p.Thr127Met). This variant is present in population databases (rs531165422, gnomAD 0.04%). This variant has not been reported in the literature in individuals affected with AKR1C4-related conditions. ClinVar contains an entry for this variant (Variation ID: 2891083). An algorithm developed to predict the effect of missense changes on protein structure and function (PolyPhen-2) suggests that this variant is likely to be tolerated. In summary, the available evidence is currently insufficient to determine the role of this variant in disease. Therefore, it has been classified as a Variant of Uncertain Significance.

PreventionGenetics, part of Exact Sciences
Classification: Uncertain significance for AKR1C4-related condition. Last evaluated: 2024-01-18. Review status: no assertion criteria provided. Collection method: clinical testing. Allele origin: germline. Not counted in ClinVar's aggregate classification.
Comment: The AKR1C4 c.380C>T variant is predicted to result in the amino acid substitution p.Thr127Met. To our knowledge, this variant has not been reported in the literature. This variant is reported in 0.040% of alleles in individuals of African descent in gnomAD. At this time, the clinical significance of this variant is uncertain due to the absence of conclusive functional and genetic evidence.

NM_001818.5(AKR1C4):c.380C>T (p.Thr127Met)

Gene: AKR1C4 (aldo-keto reductase family 1 member C4; plus strand). Cytogenetic location: 10p15.1.
Variant type: single nucleotide variant.
Coding change: c.380C>T on transcript NM_001818.5 (MANE Select); coding-DNA position 380, C replaced by T.
Protein change: p.Thr127Met; replaces threonine 127 with methionine.
Molecular consequence: missense variant.
Genome position (GRCh38, 1-based): chr10:5,205,767, C>T. VCF-style: chr10-5205767-C-T. GRCh37 (hg19) VCF-style: chr10-5247730-C-T.
Other names: c.380C>T (NM_001818.3); short protein forms T127M.
Identifiers: ClinVar variation 2891083 (VCV002891083.6), dbSNP rs531165422, ClinGen allele CA5391426.